The following is an entry in ClinVar:

NM_006662.3(SRCAP):c.4708G>T (p.Ala1570Ser)

Gene: SRCAP (Snf2 related CREBBP activator protein; plus strand). Cytogenetic location: 16p11.2.
Variant type: single nucleotide variant.
Coding change: c.4708G>T on transcript NM_006662.3 (MANE Select); coding-DNA position 4708, G replaced by T.
Protein change: p.Ala1570Ser; replaces alanine 1570 with serine.
Molecular consequence: missense variant.
Genome position (GRCh38, 1-based): chr16:30,724,132, G>T. VCF-style: chr16-30724132-G-T. GRCh37 (hg19) VCF-style: chr16-30735453-G-T.
Other names: short protein forms A1570S.
Identifiers: ClinVar variation 1895516 (VCV001895516.5), dbSNP rs757389822, ClinGen allele CA395616492.

ClinVar aggregate classification (germline): Uncertain significance (1 of 4 stars; one submission).

Submission:

Labcorp Genetics (formerly Invitae), Labcorp
Classification: Uncertain significance. Last evaluated: 2025-06-05. Review status: criteria provided, single submitter. Criteria: Invitae Variant Classification Sherloc (09022015). Collection method: clinical testing. Allele origin: germline.
Comment: This sequence change replaces alanine, which is neutral and non-polar, with serine, which is neutral and polar, at codon 1570 of the SRCAP protein (p.Ala1570Ser). This variant is not present in population databases (gnomAD no frequency). This variant has not been reported in the literature in individuals affected with SRCAP-related conditions. ClinVar contains an entry for this variant (Variation ID: 1895516). Invitae Evidence Modeling of protein sequence and biophysical properties (such as structural, functional, and spatial information, amino acid conservation, physicochemical variation, residue mobility, and thermodynamic stability) indicates that this missense variant is not expected to disrupt SRCAP protein function with a negative predictive value of 80%. In summary, the available evidence is currently insufficient to determine the role of this variant in disease. Therefore, it has been classified as a Variant of Uncertain Significance.